The following is an entry in ClinVar:

NM_054012.4(ASS1):c.776G>T (p.Gly259Val)

Gene: ASS1 (argininosuccinate synthase 1; plus strand). Cytogenetic location: 9q34.11.
Variant type: single nucleotide variant.
Coding change: c.776G>T on transcript NM_054012.4 (MANE Select); coding-DNA position 776, G replaced by T.
Protein change: p.Gly259Val; replaces glycine 259 with valine.
Molecular consequence: missense variant.
Genome position (GRCh38, 1-based): chr9:130,480,387, G>T. VCF-style: chr9-130480387-G-T. GRCh37 (hg19) VCF-style: chr9-133355774-G-T.
Other names: c.776G>T, p.Gly259Val (NM_000050.4); short protein forms G259V.
Identifiers: ClinVar variation 4984459 (VCV004984459.1).

ClinVar aggregate classification (germline): Uncertain significance (1 of 4 stars; one submission).

Conditions:
ASS1-related disorder. Also called: ASS1-related condition.

gnomAD v4.1: 21 of 1,614,224 alleles (0.0013%); highest among the groups gnomAD compares: African/African-American, 0.024%; no homozygotes.

Submission:

PreventionGenetics, part of Exact Sciences
Classification: Uncertain significance for ASS1-related condition. Last evaluated: 2025-03-06. Review status: criteria provided, single submitter. Criteria: ACMG Guidelines, 2015. Collection method: clinical testing. Allele origin: germline.
Comment: The ASS1 c.776G>T variant is predicted to result in the amino acid substitution p.Gly259Val. To our knowledge, this variant has not been reported in the literature. This variant is reported in 0.012% of alleles in individuals of African descent in gnomAD. At this time, the clinical significance of this variant is uncertain due to the absence of conclusive functional and genetic evidence.